The following is an entry in ClinVar:

ClinVar aggregate classification (germline): Uncertain significance (1 of 4 stars; one submission).

Allele frequency attached by ClinVar (database versions not stated): TOPMed below 0.00001; gnomAD exomes 0.00001; ExAC 0.00006.

Submission:

Labcorp Genetics (formerly Invitae), Labcorp
Classification: Uncertain significance. Last evaluated: 2022-09-07. Review status: criteria provided, single submitter. Criteria: Invitae Variant Classification Sherloc (09022015). Collection method: clinical testing. Allele origin: germline.
Comment: This sequence change replaces glycine, which is neutral and non-polar, with aspartic acid, which is acidic and polar, at codon 7 of the IRF4 protein (p.Gly7Asp). The frequency data for this variant in the population databases is considered unreliable, as metrics indicate poor data quality at this position in the gnomAD database. This variant has not been reported in the literature in individuals affected with IRF4-related conditions. ClinVar contains an entry for this variant (Variation ID: 1395491). Algorithms developed to predict the effect of missense changes on protein structure and function are either unavailable or do not agree on the potential impact of this missense change (SIFT: "Deleterious"; PolyPhen-2: "Benign"; Align-GVGD: "Class C0"). In summary, the available evidence is currently insufficient to determine the role of this variant in disease. Therefore, it has been classified as a Variant of Uncertain Significance.

NM_002460.4(IRF4):c.20G>A (p.Gly7Asp)

Gene: IRF4 (interferon regulatory factor 4; plus strand). Cytogenetic location: 6p25.3.
Variant type: single nucleotide variant.
Coding change: c.20G>A on transcript NM_002460.4 (MANE Select); coding-DNA position 20, G replaced by A.
Protein change: p.Gly7Asp; replaces glycine 7 with aspartic acid.
Molecular consequence: missense variant. On other transcripts: non-coding transcript variant (1).
Genome position (GRCh38, 1-based): chr6:393,172, G>A. VCF-style: chr6-393172-G-A. GRCh37 (hg19) VCF-style: chr6-393172-G-A.
Other names: c.20G>A, p.Gly7Asp (NM_001195286.2); short protein forms G7D.
Identifiers: ClinVar variation 1395491 (VCV001395491.6), dbSNP rs769695946, ClinGen allele CA3612604.